The following is an entry in ClinVar:

NM_002471.4(MYH6):c.3506G>A (p.Arg1169His)

Gene: MYH6 (myosin heavy chain 6; minus strand). Cytogenetic location: 14q11.2.
Variant type: single nucleotide variant.
Coding change: c.3506G>A on transcript NM_002471.4 (MANE Select); coding-DNA position 3506, G replaced by A.
Protein change: p.Arg1169His; replaces arginine 1169 with histidine.
Molecular consequence: missense variant.
Genome position (GRCh38, 1-based): chr14:23,390,283, C>T on the plus strand (G>A on the coding strand, the complement: MYH6 is on the minus strand). VCF-style: chr14-23390283-C-T. GRCh37 (hg19) VCF-style: chr14-23859492-C-T.
Other names: short protein forms R1169H.
Identifiers: ClinVar variation 1428493 (VCV001428493.12), dbSNP rs975923796, ClinGen allele CA257784172.

ClinVar aggregate classification (germline): Uncertain significance. Review status: criteria provided, multiple submitters, no conflicts (2 of 4 stars). 3 submissions from 3 submitters: Uncertain significance (3). Last evaluated 2026-09-16.

Conditions:
MYH6-related disorder. Also called: MYH6-Related Disorders; MYH6-related condition.
Cardiovascular phenotype. Identifiers: MedGen CN230736.
Hypertrophic cardiomyopathy 14. Identifiers: MedGen C2750467, MONDO:0013197, OMIM 613251.

Allele frequency attached by ClinVar (database versions not stated): gnomAD 0.00001; gnomAD exomes 0.00001; TOPMed 0.00001.
gnomAD v4.1: 10 of 1,598,302 alleles (0.00063%); highest among the groups gnomAD compares: African/African-American, 0.0027%; no homozygotes.

Submissions (3):

PreventionGenetics, part of Exact Sciences
Classification: Uncertain significance for MYH6-related condition. Last evaluated: 2026-09-16. Review status: criteria provided, single submitter. Criteria: ACMG Guidelines, 2015. Collection method: clinical testing. Allele origin: germline.
Comment: The MYH6 c.3506G>A variant is predicted to result in the amino acid substitution p.Arg1169His. To our knowledge, this variant has not been reported in the literature. This variant is reported in 0.0030% of alleles in individuals of Latino descent in gnomAD. At this time, the clinical significance of this variant is uncertain due to the absence of conclusive functional and genetic evidence.

Ambry Genetics
Classification: Uncertain significance for Cardiovascular phenotype. Last evaluated: 2025-08-20. Review status: criteria provided, single submitter. Criteria: Ambry Variant Classification Scheme 2023. Collection method: clinical testing. Allele origin: germline.
Comment: The p.R1169H variant (also known as c.3506G>A), located in coding exon 24 of the MYH6 gene, results from a G to A substitution at nucleotide position 3506. The arginine at codon 1169 is replaced by histidine, an amino acid with highly similar properties. This amino acid position is conserved. In addition, this alteration is predicted to be deleterious by in silico analysis. Since supporting evidence is limited at this time, the clinical significance of this alteration remains unclear.

Labcorp Genetics (formerly Invitae), Labcorp
Classification: Uncertain significance for Hypertrophic cardiomyopathy 14. Last evaluated: 2025-03-20. Review status: criteria provided, single submitter. Criteria: Invitae Variant Classification Sherloc (09022015). Collection method: clinical testing. Allele origin: germline.
Comment: This sequence change replaces arginine, which is basic and polar, with histidine, which is basic and polar, at codon 1169 of the MYH6 protein (p.Arg1169His). This variant is present in population databases (no rsID available, gnomAD 0.003%). This variant has not been reported in the literature in individuals affected with MYH6-related conditions. ClinVar contains an entry for this variant (Variation ID: 1428493). Invitae Evidence Modeling of protein sequence and biophysical properties (such as structural, functional, and spatial information, amino acid conservation, physicochemical variation, residue mobility, and thermodynamic stability) indicates that this missense variant is not expected to disrupt MYH6 protein function with a negative predictive value of 80%. In summary, the available evidence is currently insufficient to determine the role of this variant in disease. Therefore, it has been classified as a Variant of Uncertain Significance.